The following is an entry in ClinVar:

NM_004371.4(COPA):c.1221G>A (p.Ala407=)

Gene: COPA (coat protein complex I subunit alpha; minus strand). Cytogenetic location: 1q23.2.
Variant type: single nucleotide variant.
Coding change: c.1221G>A on transcript NM_004371.4 (MANE Select); coding-DNA position 1221, G replaced by A.
Protein change: p.Ala407=; no amino-acid change (alanine 407 retained).
Molecular consequence: synonymous variant.
Genome position (GRCh38, 1-based): chr1:160,307,244, C>T on the plus strand (G>A on the coding strand, the complement: COPA is on the minus strand). VCF-style: chr1-160307244-C-T. GRCh37 (hg19) VCF-style: chr1-160277034-C-T.
Other names: c.1221G>A, p.Ala407= (NM_001098398.2); c.1221G>A (NM_004371.3).
Identifiers: ClinVar variation 2889565 (VCV002889565.5), dbSNP rs748206343, ClinGen allele CA1198146.

ClinVar aggregate classification (germline): Likely benign. Review status: criteria provided, multiple submitters, no conflicts (2 of 4 stars). 3 submissions from 3 submitters: Likely benign (3). Last evaluated 2026-02-26.

Conditions:
COPA-related disorder. Also called: COPA-related condition.
Autoimmune interstitial lung disease-arthritis syndrome. Also called: Autoinflammation and autoimmunity, systemic, with immune dysregulation. Identifiers: Orphanet 444092, MedGen C5975714, MONDO:0014629.

Allele frequency attached by ClinVar (database versions not stated): ExAC 0.00001.
gnomAD v4.1: 22 of 1,614,000 alleles (0.0014%); highest among the groups gnomAD compares: Admixed American, 0.005%; no homozygotes.

Submissions (3):

PreventionGenetics, part of Exact Sciences
Classification: Likely benign for COPA-related condition. Last evaluated: 2026-02-26. Review status: criteria provided, single submitter. Criteria: ACMG Guidelines, 2015. Collection method: clinical testing. Allele origin: germline.
Comment: This variant is classified as likely benign based on ACMG/AMP sequence variant interpretation guidelines (Richards et al. 2015 PMID: 25741868, with internal and published modifications).

Labcorp Genetics (formerly Invitae), Labcorp
Classification: Likely benign for Autoimmune interstitial lung disease-arthritis syndrome. Last evaluated: 2025-05-19. Review status: criteria provided, single submitter. Criteria: Invitae Variant Classification Sherloc (09022015). Collection method: clinical testing. Allele origin: germline.

Blueprint Genetics
Classification: Likely benign. Last evaluated: 2023-10-12. Review status: criteria provided, single submitter. Criteria: ACMG Guidelines, 2015. Collection method: clinical testing. Allele origin: germline.